The following is an entry in ClinVar:

NM_004629.2(FANCG):c.1834T>G (p.Phe612Val)

Gene: FANCG (FA complementation group G; minus strand). Cytogenetic location: 9p13.3.
Variant type: single nucleotide variant.
Coding change: c.1834T>G on transcript NM_004629.2 (MANE Select); coding-DNA position 1834, T replaced by G.
Protein change: p.Phe612Val; replaces phenylalanine 612 with valine.
Molecular consequence: missense variant.
Genome position (GRCh38, 1-based): chr9:35,074,143, A>C on the plus strand (T>G on the coding strand, the complement: FANCG is on the minus strand). VCF-style: chr9-35074143-A-C. GRCh37 (hg19) VCF-style: chr9-35074140-A-C.
Other names: short protein forms F612V.
Identifiers: ClinVar variation 4022456 (VCV004022456.1).

ClinVar aggregate classification (germline): Uncertain significance (1 of 4 stars; one submission).

Conditions:
Inborn genetic diseases. Identifiers: MedGen C0950123, MeSH D030342.

Submission:

Ambry Genetics
Classification: Uncertain significance for Inborn genetic diseases. Last evaluated: 2025-03-16. Review status: criteria provided, single submitter. Criteria: Ambry Variant Classification Scheme 2023. Collection method: clinical testing. Allele origin: germline.
Comment: The p.F612V variant (also known as c.1834T>G), located in coding exon 14 of the FANCG gene, results from a T to G substitution at nucleotide position 1834. The phenylalanine at codon 612 is replaced by valine, an amino acid with highly similar properties. This amino acid position is conserved. In addition, this alteration is predicted to be tolerated by in silico analysis. Based on the available evidence, the clinical significance of this variant remains unclear.